The following is an entry in ClinVar:

ClinVar aggregate classification (germline): Uncertain significance (1 of 4 stars; one submission).

gnomAD v4.1: 1 of 1,614,204 alleles (0.000062%); highest among the groups gnomAD compares: Admixed American, 0.0017%; no homozygotes.

Submission:

Labcorp Genetics (formerly Invitae), Labcorp
Classification: Uncertain significance. Last evaluated: 2025-04-23. Review status: criteria provided, single submitter. Criteria: Invitae Variant Classification Sherloc (09022015). Collection method: clinical testing. Allele origin: germline.
Comment: This sequence change affects codon 735 of the JAK1 mRNA. It is a 'silent' change, meaning that it does not change the encoded amino acid sequence of the JAK1 protein. This variant is present in population databases (no rsID available, gnomAD 0.003%). This variant has not been reported in the literature in individuals affected with JAK1-related conditions. ClinVar contains an entry for this variant (Variation ID: 2790785). Algorithms developed to predict the effect of sequence changes on RNA splicing suggest that this variant may create or strengthen a splice site. In summary, the available evidence is currently insufficient to determine the role of this variant in disease. Therefore, it has been classified as a Variant of Uncertain Significance.

NM_002227.4(JAK1):c.2205C>T (p.Ile735=)

Gene: JAK1 (Janus kinase 1; minus strand). Cytogenetic location: 1p31.3.
Variant type: single nucleotide variant.
Coding change: c.2205C>T on transcript NM_002227.4 (MANE Select); coding-DNA position 2205, C replaced by T.
Protein change: p.Ile735=; no amino-acid change (isoleucine 735 retained).
Molecular consequence: synonymous variant.
Genome position (GRCh38, 1-based): chr1:64,844,800, G>A on the plus strand (C>T on the coding strand, the complement: JAK1 is on the minus strand). VCF-style: chr1-64844800-G-A. GRCh37 (hg19) VCF-style: chr1-65310483-G-A.
Other names: c.2205C>T, p.Ile735= (NM_001320923.2, NM_001321852.2, NM_001321853.2 and 3 more transcripts); c.2202C>T, p.Ile734= (NM_001321857.2).
Identifiers: ClinVar variation 2790785 (VCV002790785.3), dbSNP rs751933525, ClinGen allele CA418215856.